The following is an entry in ClinVar:

ClinVar aggregate classification (germline): Uncertain significance (1 of 4 stars; one submission).

Conditions:
Alstrom syndrome (ALMS). Identifiers: Orphanet 64, MedGen C0268425, MONDO:0008763, OMIM 203800.

Submission:

Labcorp Genetics (formerly Invitae), Labcorp
Classification: Uncertain significance for Alstrom syndrome. Last evaluated: 2021-07-31. Review status: criteria provided, single submitter. Criteria: Invitae Variant Classification Sherloc (09022015). Collection method: clinical testing. Allele origin: germline.
Comment: This sequence change replaces isoleucine with methionine at codon 1327 of the ALMS1 protein (p.Ile1327Met). The isoleucine residue is weakly conserved and there is a small physicochemical difference between isoleucine and methionine. This variant is not present in population databases (ExAC no frequency). This variant has not been reported in the literature in individuals affected with ALMS1-related conditions. Experimental studies and prediction algorithms are not available or were not evaluated, and the functional significance of this variant is currently unknown. In summary, the available evidence is currently insufficient to determine the role of this variant in disease. Therefore, it has been classified as a Variant of Uncertain Significance.

NM_001378454.1(ALMS1):c.3978A>G (p.Ile1326Met)

Gene: ALMS1 (ALMS1 centrosome and basal body associated protein; plus strand). Cytogenetic location: 2p13.1.
Variant type: single nucleotide variant.
Coding change: c.3978A>G on transcript NM_001378454.1 (MANE Select); coding-DNA position 3978, A replaced by G.
Protein change: p.Ile1326Met; replaces isoleucine 1326 with methionine.
Molecular consequence: missense variant.
Genome position (GRCh38, 1-based): chr2:73,450,505, A>G. VCF-style: chr2-73450505-A-G. GRCh37 (hg19) VCF-style: chr2-73677632-A-G.
Other names: c.3981A>G, p.Ile1327Met (NM_015120.4); short protein forms I1327M, I1326M.
Identifiers: ClinVar variation 1371240 (VCV001371240.3), dbSNP rs2103780894, ClinGen allele CA347277203.